The following is an entry in ClinVar:

NM_014297.5(ETHE1):c.426C>T (p.Phe142=)

Gene: ETHE1 (ETHE1 persulfide dioxygenase; minus strand). Cytogenetic location: 19q13.31.
Variant type: single nucleotide variant.
Coding change: c.426C>T on transcript NM_014297.5 (MANE Select); coding-DNA position 426, C replaced by T.
Protein change: p.Phe142=; no amino-acid change (phenylalanine 142 retained).
Molecular consequence: synonymous variant.
Genome position (GRCh38, 1-based): chr19:43,511,516, G>A on the plus strand (C>T on the coding strand, the complement: ETHE1 is on the minus strand). VCF-style: chr19-43511516-G-A. GRCh37 (hg19) VCF-style: chr19-44015668-G-A.
Other names: c.393C>T, p.Phe131= (NM_001320867.2); c.57C>T, p.Phe19= (NM_001320868.2); c.132C>T, p.Phe44= (NM_001320869.2).
Identifiers: ClinVar variation 754192 (VCV000754192.13), dbSNP rs566533497, ClinGen allele CA9487859.

ClinVar aggregate classification (germline): Likely benign. Review status: criteria provided, multiple submitters, no conflicts (2 of 4 stars). 3 submissions from 3 submitters: Likely benign (2). 1 of the submissions does not count toward it. Last evaluated 2026-09-01.

Conditions:
Ethylmalonic encephalopathy (EE). Also called: EPEMA syndrome; Encephalopathy, petechiae, and ethylmalonic aciduria; Syndrome of encephalopathy, petechiae, and ethylmalonic aciduria. Identifiers: Orphanet 51188, MedGen C1865349, MONDO:0011229, OMIM 602473. Disease mechanism: loss of function.

Allele frequency attached by ClinVar (database versions not stated): gnomAD 0.00002 and 0.00005; TOPMed 0.00003; 1000 Genomes Project 30x 0.00016; ExAC 0.00019; 1000 Genomes Project 0.00020; gnomAD exomes 0.00023.
gnomAD v4.1: 162 of 1,614,172 alleles (0.01%); highest among the groups gnomAD compares: South Asian, 0.11%; no homozygotes.

Submissions (3):

CeGaT Center for Human Genetics Tuebingen
Classification: Likely benign. Last evaluated: 2026-09-01. Review status: criteria provided, single submitter. Criteria: CeGaT Center For Human Genetics Tuebingen Variant Classification Criteria Version 2. Collection method: clinical testing. Allele origin: germline. Affected: yes. Observed: 1 variant allele.
Comment: ETHE1: BP4, BP7

Labcorp Genetics (formerly Invitae), Labcorp
Classification: Likely benign for Ethylmalonic encephalopathy. Last evaluated: 2026-01-26. Review status: criteria provided, single submitter. Criteria: Invitae Variant Classification Sherloc (09022015). Collection method: clinical testing. Allele origin: germline.

Natera, Inc.
Classification: Likely benign for Ethylmalonic encephalopathy. Last evaluated: 2020-06-17. Review status: no assertion criteria provided. Collection method: clinical testing. Allele origin: germline. Not counted in ClinVar's aggregate classification.